The following is an entry in ClinVar:

ClinVar aggregate classification (germline): Pathogenic (1 of 4 stars; one submission).

Submission:

CeGaT Center for Human Genetics Tuebingen
Classification: Pathogenic. Last evaluated: 2026-01-01. Review status: criteria provided, single submitter. Criteria: CeGaT Center For Human Genetics Tuebingen Variant Classification Criteria Version 2. Collection method: clinical testing. Allele origin: germline. Affected: yes. Observed: 1 variant allele.
Comment: KCNQ2: PVS1, PM2

NM_172107.4(KCNQ2):c.708G>A (p.Trp236Ter)

Gene: KCNQ2 (potassium voltage-gated channel subfamily Q member 2; minus strand). Cytogenetic location: 20q13.33.
Variant type: single nucleotide variant.
Coding change: c.708G>A on transcript NM_172107.4 (MANE Select); coding-DNA position 708, G replaced by A.
Protein change: p.Trp236Ter; replaces tryptophan 236 with a stop codon.
Molecular consequence: nonsense.
Genome position (GRCh38, 1-based): chr20:63,442,514, C>T on the plus strand (G>A on the coding strand, the complement: KCNQ2 is on the minus strand). VCF-style: chr20-63442514-C-T. GRCh37 (hg19) VCF-style: chr20-62073867-C-T.
Other names: c.708G>A, p.Trp236Ter (NM_172106.3, NM_172108.5, NM_172109.3 and 4 more transcripts); short protein forms W236*.
Identifiers: ClinVar variation 4823837 (VCV004823837.4).